The following is an entry in ClinVar:

ClinVar aggregate classification (germline): Uncertain significance. Review status: criteria provided, multiple submitters, no conflicts (2 of 4 stars). 3 submissions from 3 submitters: Uncertain significance (3). Last evaluated 2025-03-03.

Allele frequency attached by ClinVar (database versions not stated): TOPMed 0.00002; 1000 Genomes Project 30x 0.00016.

Submissions (3):

Labcorp Genetics (formerly Invitae), Labcorp
Classification: Uncertain significance. Last evaluated: 2025-03-03. Review status: criteria provided, single submitter. Criteria: Invitae Variant Classification Sherloc (09022015). Collection method: clinical testing. Allele origin: germline.
Comment: This sequence change replaces arginine, which is basic and polar, with tryptophan, which is neutral and slightly polar, at codon 167 of the RAX2 protein (p.Arg167Trp). The frequency data for this variant in the population databases is considered unreliable, as metrics indicate poor data quality at this position in the gnomAD database. This missense change has been observed in individuals with RAX2-related conditions (internal data). ClinVar contains an entry for this variant (Variation ID: 951135). An algorithm developed to predict the effect of missense changes on protein structure and function (PolyPhen-2) suggests that this variant is likely to be disruptive. In summary, the available evidence is currently insufficient to determine the role of this variant in disease. Therefore, it has been classified as a Variant of Uncertain Significance.

Ambry Genetics
Classification: Uncertain significance. Last evaluated: 2024-07-02. Review status: criteria provided, single submitter. Criteria: Ambry Variant Classification Scheme 2023. Collection method: clinical testing. Allele origin: germline.

Blueprint Genetics
Classification: Uncertain significance. Last evaluated: 2021-12-08. Review status: criteria provided, single submitter. Criteria: ACMG Guidelines, 2015. Collection method: clinical testing. Allele origin: germline.

NM_001319074.4(RAX2):c.499C>T (p.Arg167Trp)

Gene: RAX2 (retina and anterior neural fold homeobox 2; minus strand). Cytogenetic location: 19p13.3.
Variant type: single nucleotide variant.
Coding change: c.499C>T on transcript NM_001319074.4 (MANE Select); coding-DNA position 499, C replaced by T.
Protein change: p.Arg167Trp; replaces arginine 167 with tryptophan.
Molecular consequence: missense variant.
Genome position (GRCh38, 1-based): chr19:3,770,677, G>A on the plus strand (C>T on the coding strand, the complement: RAX2 is on the minus strand). VCF-style: chr19-3770677-G-A. GRCh37 (hg19) VCF-style: chr19-3770675-G-A.
Other names: c.499C>T, p.Arg167Trp (NM_032753.4); short protein forms R167W.
Identifiers: ClinVar variation 951135 (VCV000951135.12), dbSNP rs771011757, ClinGen allele CA304416611.